The following is an entry in ClinVar:

ClinVar aggregate classification (germline): Benign. Review status: criteria provided, multiple submitters, no conflicts (2 of 4 stars). 13 submissions from 12 submitters: Benign (12). 1 of the submissions does not count toward it. Last evaluated 2026-02-04.

Conditions:
Retinal dystrophy. Also called: Inherited retinal dystrophy. Identifiers: Orphanet 71862, MedGen C0854723, MeSH D058499, MONDO:0019118, HP:0000556.
Retinitis pigmentosa (RP). Identifiers: Orphanet 791, MedGen C0035334, MeSH D012174, MONDO:0019200, OMIM 268000. Inheritance: Autosomal dominant, autosomal recessive and X linked inheritance.
Usher syndrome type 2A. Also called: USHER SYNDROME, TYPE IIA; RETINAL DISEASE IN USHER SYNDROME TYPE IIA, MODIFIER OF. Identifiers: Orphanet 231178, Orphanet 886, MedGen C1848634, MONDO:0010169, OMIM 276901.

Allele frequency attached by ClinVar (database versions not stated): gnomAD exomes 0.24989; ExAC 0.25207; 1000 Genomes Project 0.26298; 1000 Genomes Project 30x 0.26921; gnomAD 0.27840 and 0.28143; TOPMed 0.28889; ESP Exome Variant Server 0.29548.
gnomAD v4.1: 401,536 of 1,613,018 alleles (25%); highest among the groups gnomAD compares: African/African-American, 38%; 51,530 homozygotes.

Submissions (13):

Labcorp Genetics (formerly Invitae), Labcorp
Classification: Benign. Last evaluated: 2026-02-04. Review status: criteria provided, single submitter. Criteria: Invitae Variant Classification Sherloc (09022015). Collection method: clinical testing. Allele origin: germline.

Blueprint Genetics
Classification: Benign. Last evaluated: 2024-11-26. Review status: criteria provided, single submitter. Criteria: ACMG Guidelines, 2015. Collection method: clinical testing. Allele origin: germline.

Dept Of Ophthalmology, Nagoya University
Classification: Benign for Retinal dystrophy. Last evaluated: 2023-10-01. Review status: criteria provided, single submitter. Criteria: Submitter's publication. Collection method: research. Allele origin: germline. Affected: yes.

Women's Health and Genetics/Laboratory Corporation of America, LabCorp
Classification: Benign. Last evaluated: 2023-04-10. Review status: criteria provided, single submitter. Criteria: LabCorp Variant Classification Summary - May 2015. Collection method: clinical testing. Allele origin: germline.

Genome-Nilou Lab
Classification: Benign for Usher syndrome type 2A. Last evaluated: 2021-07-01. Review status: criteria provided, single submitter. Criteria: ACMG Guidelines, 2015. Collection method: clinical testing. Allele origin: germline. Affected: no.

Mayo Clinic Laboratories, Mayo Clinic
Classification: Benign. Last evaluated: 2019-06-04. Review status: criteria provided, single submitter. Criteria: ACMG Guidelines, 2015. Collection method: clinical testing. Allele origin: germline. Observed: 79 variant alleles.

Illumina Laboratory Services, Illumina
Classification: Benign for Retinitis pigmentosa. Last evaluated: 2018-01-12. Review status: criteria provided, single submitter. Criteria: ICSL Variant Classification Criteria 13 December 2019. Collection method: clinical testing. Allele origin: germline.
Comment: This variant was observed in the ICSL laboratory as part of a predisposition screen in an ostensibly healthy population. It had not been previously curated by ICSL or reported in the Human Gene Mutation Database (HGMD: prior to June 1st, 2018), and was therefore a candidate for classification through an automated scoring system. Utilizing variant allele frequency, disease prevalence and penetrance estimates, and inheritance mode, an automated score was calculated to assess if this variant is too frequent to cause the disease. Based on the score and internal cut-off values, a variant classified as benign is not then subjected to further curation. The score for this variant resulted in a classification of benign for this disease.

Illumina Laboratory Services, Illumina
Classification: Benign for Usher syndrome type 2A. Last evaluated: 2018-01-12. Review status: criteria provided, single submitter. Criteria: ICSL Variant Classification Criteria 13 December 2019. Collection method: clinical testing. Allele origin: germline.
Comment: the same text as in the submission from Illumina Laboratory Services, Illumina above.

GeneDx
Classification: Benign. Last evaluated: 2011-07-05. Review status: criteria provided, single submitter. Criteria: GeneDx Variant Classification (06012015). Collection method: clinical testing. Allele origin: germline. Affected: yes.
Comment: This variant is considered likely benign or benign based on one or more of the following criteria: it is a conservative change, it occurs at a poorly conserved position in the protein, it is predicted to be benign by multiple in silico algorithms, and/or has population frequency not consistent with disease.

Laboratory for Molecular Medicine, Mass General Brigham Personalized Medicine
Classification: Benign. Last evaluated: 2008-02-19. Review status: criteria provided, single submitter. Criteria: LMM Criteria. Collection method: clinical testing. Allele origin: germline. Observed: 1,030 variant alleles.

Breakthrough Genomics
Classification: Benign. Review status: criteria provided, single submitter. Criteria: ACMG Guidelines, 2015. Collection method: not provided. Allele origin: germline. Inheritance: Autosomal recessive inheritance. Affected: yes.

PreventionGenetics, part of Exact Sciences
Classification: Benign. Review status: criteria provided, single submitter. Criteria: ACMG Guidelines, 2015. Collection method: clinical testing. Allele origin: germline.

Natera, Inc.
Classification: Benign for Usher syndrome type 2A. Last evaluated: 2020-09-16. Review status: no assertion criteria provided. Collection method: clinical testing. Allele origin: germline. Not counted in ClinVar's aggregate classification.

NM_206933.4(USH2A):c.1419C>T (p.Thr473=)

Gene: USH2A (usherin; minus strand). Cytogenetic location: 1q41.
Variant type: single nucleotide variant.
Coding change: c.1419C>T on transcript NM_206933.4 (MANE Select); coding-DNA position 1419, C replaced by T.
Protein change: p.Thr473=; no amino-acid change (threonine 473 retained).
Molecular consequence: synonymous variant.
Genome position (GRCh38, 1-based): chr1:216,323,605, G>A on the plus strand (C>T on the coding strand, the complement: USH2A is on the minus strand). VCF-style: chr1-216323605-G-A. GRCh37 (hg19) VCF-style: chr1-216496947-G-A.
Other names: p.T473T:ACC>ACT; p.Thr473=; c.1419C>T, p.Thr473= (NM_007123.6).
Identifiers: ClinVar variation 48431 (VCV000048431.27), dbSNP rs1805050, ClinGen allele CA143340.